The following is an entry in ClinVar:

ClinVar aggregate classification (germline): Likely benign (0 of 4 stars; one submission).

Conditions:
NBEA-related disorder. Also called: NBEA-related condition.

Allele frequency attached by ClinVar (database versions not stated): gnomAD exomes 0.00001; TOPMed 0.00003; gnomAD 0.00004; ExAC 0.00005.
gnomAD v4.1: 25 of 1,610,182 alleles (0.0016%); highest among the groups gnomAD compares: African/African-American, 0.0027%; no homozygotes.

Submission:

PreventionGenetics, part of Exact Sciences
Classification: Likely benign for NBEA-related condition. Last evaluated: 2019-03-12. Review status: no assertion criteria provided. Collection method: clinical testing. Allele origin: germline.
Comment: This variant is classified as likely benign based on ACMG/AMP sequence variant interpretation guidelines (Richards et al. 2015 PMID: 25741868, with internal and published modifications).

NM_001385012.1(NBEA):c.4791T>C (p.Gly1597=)

Gene: NBEA (neurobeachin; plus strand). Cytogenetic location: 13q13.3.
Variant type: single nucleotide variant.
Coding change: c.4791T>C on transcript NM_001385012.1 (MANE Select); coding-DNA position 4791, T replaced by C.
Protein change: p.Gly1597=; no amino-acid change (glycine 1597 retained).
Molecular consequence: synonymous variant.
Genome position (GRCh38, 1-based): chr13:35,182,488, T>C. VCF-style: chr13-35182488-T-C. GRCh37 (hg19) VCF-style: chr13-35756625-T-C.
Other names: c.4782T>C, p.Gly1594= (NM_001379245.1); c.4791T>C, p.Gly1597= (NM_015678.5).
Identifiers: ClinVar variation 3051337 (VCV003051337.2), dbSNP rs779006092, ClinGen allele CA6946941.